The following is an entry in ClinVar:

NM_005228.5(EGFR):c.1087A>C (p.Thr363Pro)

Genes: EGFR (epidermal growth factor receptor; plus strand), LOC126860048 (P300/CBP strongly-dependent group 1 enhancer GRCh37_chr7:55223847-55225046; plus strand). Cytogenetic location: 7p11.2.
Variant type: single nucleotide variant.
Coding change: c.1087A>C on transcript NM_005228.5 (MANE Select); coding-DNA position 1087, A replaced by C.
Protein change: p.Thr363Pro; replaces threonine 363 with proline.
Molecular consequence: missense variant.
Genome position (GRCh38, 1-based): chr7:55,156,613, A>C. VCF-style: chr7-55156613-A-C. GRCh37 (hg19) VCF-style: chr7-55224306-A-C.
Other names: c.952A>C, p.Thr318Pro (NM_001346897.2, NM_001346899.2); c.1087A>C, p.Thr363Pro (NM_001346898.2, NM_201282.2, NM_201283.2 and 1 more transcripts); c.928A>C, p.Thr310Pro (NM_001346900.2); c.286A>C, p.Thr96Pro (NM_001346941.2); short protein forms T96P, T310P, T318P, T363P.
Identifiers: ClinVar variation 3685165 (VCV003685165.3).

ClinVar aggregate classification (germline): Uncertain significance. Review status: criteria provided, multiple submitters, no conflicts (2 of 4 stars). 2 submissions from 2 submitters: Uncertain significance (2). Last evaluated 2025-04-19.

Conditions:
Hereditary cancer-predisposing syndrome. Also called: Tumor predisposition; Neoplastic Syndromes, Hereditary; Hereditary Cancer Syndrome; Hereditary neoplastic syndrome. Identifiers: Orphanet 140162, MedGen C0027672, MeSH D009386, MONDO:0015356.
EGFR-related lung cancer (EGFR). Identifiers: MedGen CN130014.

gnomAD v4.1: 2 of 1,613,960 alleles (0.00012%); no homozygotes.

Submissions (2):

Ambry Genetics
Classification: Uncertain significance for Hereditary cancer-predisposing syndrome. Last evaluated: 2025-04-19. Review status: criteria provided, single submitter. Criteria: Ambry Variant Classification Scheme 2023. Collection method: clinical testing. Allele origin: germline.
Comment: The p.T363P variant (also known as c.1087A>C), located in coding exon 9 of the EGFR gene, results from an A to C substitution at nucleotide position 1087. The threonine at codon 363 is replaced by proline, an amino acid with highly similar properties. This amino acid position is conserved. In addition, this alteration is predicted to be deleterious by in silico analysis. Based on the available evidence, the clinical significance of this variant remains unclear.

Labcorp Genetics (formerly Invitae), Labcorp
Classification: Uncertain significance for EGFR-related lung cancer. Last evaluated: 2024-03-10. Review status: criteria provided, single submitter. Criteria: Invitae Variant Classification Sherloc (09022015). Collection method: clinical testing. Allele origin: germline.
Comment: This sequence change replaces threonine, which is neutral and polar, with proline, which is neutral and non-polar, at codon 363 of the EGFR protein (p.Thr363Pro). This variant is not present in population databases (gnomAD no frequency). This variant has not been reported in the literature in individuals affected with EGFR-related conditions. Advanced modeling of protein sequence and biophysical properties (such as structural, functional, and spatial information, amino acid conservation, physicochemical variation, residue mobility, and thermodynamic stability) performed at Invitae indicates that this missense variant is expected to disrupt EGFR protein function with a positive predictive value of 80%. In summary, the available evidence is currently insufficient to determine the role of this variant in disease. Therefore, it has been classified as a Variant of Uncertain Significance.